The following is an entry in ClinVar:

NM_000293.3(PHKB):c.1256A>G (p.Tyr419Cys)

Gene: PHKB (phosphorylase kinase regulatory subunit beta; plus strand). Cytogenetic location: 16q12.1.
Variant type: single nucleotide variant.
Coding change: c.1256A>G on transcript NM_000293.3 (MANE Select); coding-DNA position 1256, A replaced by G.
Protein change: p.Tyr419Cys; replaces tyrosine 419 with cysteine.
Molecular consequence: missense variant.
Genome position (GRCh38, 1-based): chr16:47,596,424, A>G. VCF-style: chr16-47596424-A-G. GRCh37 (hg19) VCF-style: chr16-47630335-A-G.
Other names: c.1235A>G, p.Tyr412Cys (NM_001031835.3); c.1256A>G, p.Tyr419Cys (NM_001363837.1); short protein forms Y412C, Y419C.
Identifiers: ClinVar variation 2049869 (VCV002049869.4), dbSNP rs775802488, ClinGen allele CA8040757.
Genomic context (GRCh38, chr16:47,596,424, plus strand): 5'-ACTCCATAGGATATCCTGTTGTACCAAAGTACTATTATGTGCCAGCTGACTTTGTAGAAT[A>G]TGAAAAAAATAACCCTGGTAGTCAAAAACGATTTCCTAGCAACTGTGGCCGTGATGGAAA-3'
Protein context (NP_000284.1, residues 409-429): YYYVPADFVE[Tyr419Cys]EKNNPGSQKR

ClinVar aggregate classification (germline): Uncertain significance (1 of 4 stars; one submission).

Conditions:
Glycogen storage disease IXb (GSD9B). Also called: GLYCOGENOSIS OF LIVER AND MUSCLE, AUTOSOMAL RECESSIVE; GSD IXb; PHOSPHORYLASE KINASE DEFICIENCY OF LIVER AND MUSCLE, AUTOSOMAL RECESSIVE. Identifiers: Orphanet 79240, MedGen C0543514, MONDO:0009868, OMIM 261750.

Allele frequency attached by ClinVar (database versions not stated): TOPMed below 0.00001; ExAC 0.00001; gnomAD exomes 0.00001.
gnomAD v4.1: 3 of 1,612,302 alleles (0.00019%); highest among the groups gnomAD compares: Admixed American, 0.0033%; no homozygotes.

Submission:

Labcorp Genetics (formerly Invitae), Labcorp
Classification: Uncertain significance for Glycogen storage disease IXb. Last evaluated: 2022-09-16. Review status: criteria provided, single submitter. Criteria: Invitae Variant Classification Sherloc (09022015). Collection method: clinical testing. Allele origin: germline.
Comment: This sequence change replaces tyrosine, which is neutral and polar, with cysteine, which is neutral and slightly polar, at codon 419 of the PHKB protein (p.Tyr419Cys). This variant is present in population databases (rs775802488, gnomAD 0.006%). This variant has not been reported in the literature in individuals affected with PHKB-related conditions. Algorithms developed to predict the effect of missense changes on protein structure and function output the following: SIFT: "Tolerated"; PolyPhen-2: "Benign"; Align-GVGD: "Class C0". The cysteine amino acid residue is found in multiple mammalian species, which suggests that this missense change does not adversely affect protein function. In summary, the available evidence is currently insufficient to determine the role of this variant in disease. Therefore, it has been classified as a Variant of Uncertain Significance.